The following is an entry in ClinVar:

NM_001374385.1(ATP8B1):c.3477C>T (p.Pro1159=)

Genes: ATP8B1 (ATPase phospholipid transporting 8B1; minus strand), ATP8B1-AS1 (ATP8B1 antisense RNA 1; plus strand). Cytogenetic location: 18q21.31.
Variant type: single nucleotide variant.
Coding change: c.3477C>T on transcript NM_001374385.1 (MANE Select); coding-DNA position 3477, C replaced by T.
Protein change: p.Pro1159=; no amino-acid change (proline 1159 retained).
Molecular consequence: synonymous variant.
Genome position (GRCh38, 1-based): chr18:57,650,421, G>A on the plus strand (C>T on the coding strand, the complement: ATP8B1 is on the minus strand). VCF-style: chr18-57650421-G-A. GRCh37 (hg19) VCF-style: chr18-55317653-G-A.
Other names: c.3327C>T, p.Pro1109= (NM_001374386.1); c.3477C>T, p.Pro1159= (NM_005603.6).
Identifiers: ClinVar variation 259821 (VCV000259821.20), dbSNP rs117182648, ClinGen allele CA8974003.

ClinVar aggregate classification (germline): Benign. Review status: criteria provided, multiple submitters, no conflicts (2 of 4 stars). 7 submissions from 7 submitters: Benign (7). Last evaluated 2026-04-14.

Conditions:
Progressive familial intrahepatic cholestasis type 1. Also called: BYLER DISEASE; Byler's disease; Severe ATP8B1 Deficiency (Progressive Familial Intrahepatic Cholestasis Type 1 [PFIC1]). Identifiers: Orphanet 79306, MedGen C4551898, MONDO:0008892, OMIM 211600.
Familial intrahepatic cholestasis. Identifiers: Orphanet 284385, MedGen CN296401, MONDO:0017290.

Allele frequency attached by ClinVar (database versions not stated): ESP Exome Variant Server 0.00008; gnomAD 0.00137 and 0.00197; gnomAD exomes 0.00170 and 0.00401; TOPMed 0.00194; ExAC 0.00376; 1000 Genomes Project 30x 0.00921; 1000 Genomes Project 0.01078.
gnomAD v4.1: 2,798 of 1,613,930 alleles (0.17%); highest among the groups gnomAD compares: East Asian, 5%; 74 homozygotes.

Submissions (7):

Genomenon, Inc
Classification: Benign for Familial intrahepatic cholestasis. Last evaluated: 2026-04-14. Review status: criteria provided, single submitter. Criteria: Genomenon Sequence Variant Interpretation Standards - Updated. Collection method: curation. Allele origin: germline. Affected: no.
Comment: ATP8B1 c.3477C>T is a synonymous variant that retains Proline at residue 1159. This variant is present at high allele frequency in population databases. In conclusion, we classify ATP8B1 p.Pro1159= (c.3477C>T) as a benign variant.

Labcorp Genetics (formerly Invitae), Labcorp
Classification: Benign. Last evaluated: 2026-02-04. Review status: criteria provided, single submitter. Criteria: Invitae Variant Classification Sherloc (09022015). Collection method: clinical testing. Allele origin: germline.

Illumina Laboratory Services, Illumina
Classification: Benign for Progressive familial intrahepatic cholestasis type 1. Last evaluated: 2018-01-12. Review status: criteria provided, single submitter. Criteria: ICSL Variant Classification Criteria 13 December 2019. Collection method: clinical testing. Allele origin: germline.
Comment: This variant was observed in the ICSL laboratory as part of a predisposition screen in an ostensibly healthy population. It had not been previously curated by ICSL or reported in the Human Gene Mutation Database (HGMD: prior to June 1st, 2018), and was therefore a candidate for classification through an automated scoring system. Utilizing variant allele frequency, disease prevalence and penetrance estimates, and inheritance mode, an automated score was calculated to assess if this variant is too frequent to cause the disease. Based on the score and internal cut-off values, a variant classified as benign is not then subjected to further curation. The score for this variant resulted in a classification of benign for this disease.

GeneDx
Classification: Benign. Last evaluated: 2017-02-16. Review status: criteria provided, single submitter. Criteria: GeneDx Variant Classification (06012015). Collection method: clinical testing. Allele origin: germline. Affected: yes.
Comment: This variant is considered likely benign or benign based on one or more of the following criteria: it is a conservative change, it occurs at a poorly conserved position in the protein, it is predicted to be benign by multiple in silico algorithms, and/or has population frequency not consistent with disease.

Eurofins Ntd Llc (ga)
Classification: Benign. Last evaluated: 2015-10-05. Review status: criteria provided, single submitter. Criteria: EGL Classification Definitions 2015. Collection method: clinical testing. Allele origin: germline. Observed: 1 variant allele, 1 heterozygote.

Breakthrough Genomics
Classification: Benign. Review status: criteria provided, single submitter. Criteria: ACMG Guidelines, 2015. Collection method: not provided. Allele origin: germline. Inheritance: Autosomal recessive inheritance. Affected: yes.

PreventionGenetics, part of Exact Sciences
Classification: Benign. Review status: criteria provided, single submitter. Criteria: ACMG Guidelines, 2015. Collection method: clinical testing. Allele origin: germline.